The following is an entry in ClinVar:

NC_000009.12:g.(?_130452214)_(130454383_?)del

Gene: ASS1 (argininosuccinate synthase 1; plus strand). Cytogenetic location: 9q34.11.
Variant type: Deletion.
Identifiers: ClinVar variation 649068 (VCV000649068.3).

ClinVar aggregate classification (germline): Pathogenic. Review status: criteria provided, single submitter (1 of 4 stars). 2 submissions from 1 submitter: Pathogenic (2). Last evaluated 2023-09-21.

Conditions:
Citrullinemia type I (CTNL1). Also called: argininosuccinate synthetase deficiency; ASS DEFICIENCY. Identifiers: Orphanet 247525, MedGen C4721769, MONDO:0008988, OMIM 215700.
Citrullinemia. Identifiers: Orphanet 187, MedGen C0175683, MONDO:0015991.

Submissions (2):

Labcorp Genetics (formerly Invitae), Labcorp
Classification: Pathogenic for Citrullinemia. Last evaluated: 2023-09-21. Review status: criteria provided, single submitter. Criteria: Invitae Variant Classification Sherloc (09022015). Collection method: clinical testing. Allele origin: unknown.
Comment: This variant is a gross deletion of the genomic region encompassing exon(s) 3-4 of the ASS1 gene, which includes the initiator codon. This deletion extends beyond the assayed region for this gene and therefore may encompass additional genes. It is expected to result in an absent or disrupted protein product. Loss-of-function variants in ASS1 are known to be pathogenic (PMID: 18473344, 19006241). This variant has not been reported in the literature in individuals affected with ASS1-related conditions. For these reasons, this variant has been classified as Pathogenic.

Labcorp Genetics (formerly Invitae), Labcorp
Classification: Pathogenic for Citrullinuria. Last evaluated: 2019-09-01. Review status: criteria provided, single submitter. Criteria: Invitae Variant Classification Sherloc (09022015). Collection method: clinical testing. Allele origin: germline.
Comment: This variant is a gross deletion of the genomic region encompassing exons 3-4 of the ASS1 gene, which includes the initiator codon. The 5' end of this event is unknown as it extends beyond the assayed region for this gene and therefore may encompass additional genes. The 3' boundary is likely confined to intron 4 of the ASS1 gene. This is expected to result in an absent or disrupted protein product. This variant has not been reported in the literature in individuals with ASS1-related disease. Loss-of-function variants in ASS1 are known to be pathogenic (PMID: 18473344, 19006241). For these reasons, this variant has been classified as Pathogenic.

Literature cited by the submitters: PubMed 18473344; PubMed 19006241.